The following is an entry in ClinVar:

NM_001267550.2(TTN):c.42785G>A (p.Trp14262Ter)

Gene: TTN (titin; minus strand). Cytogenetic location: 2q31.2.
Variant type: single nucleotide variant.
Coding change: c.42785G>A on transcript NM_001267550.2 (MANE Select); coding-DNA position 42785, G replaced by A.
Protein change: p.Trp14262Ter; replaces tryptophan 14262 with a stop codon.
Molecular consequence: nonsense.
Genome position (GRCh38, 1-based): chr2:178,633,574, C>T on the plus strand (G>A on the coding strand, the complement: TTN is on the minus strand). VCF-style: chr2-178633574-C-T. GRCh37 (hg19) VCF-style: chr2-179498301-C-T.
Other names: c.37862G>A, p.Trp12621Ter (NM_001256850.1); c.15590G>A, p.Trp5197Ter (NM_003319.4); c.35081G>A, p.Trp11694Ter (NM_133378.4); c.15965G>A, p.Trp5322Ter (NM_133432.3); c.16166G>A, p.Trp5389Ter (NM_133437.4); short protein forms W12621*, W14262*, W11694*, W5197*, W5322*, W5389*.
Identifiers: ClinVar variation 283670 (VCV000283670.8), dbSNP rs886042681, ClinGen allele CA10604556.
Genomic context (GRCh38, chr2:178,633,574, plus strand): 5'-AGGCCATCTGCCTTGATAGAATATTTGGGTGAAGGGACAATCTCTTCACCATCTTTGAAC[C>T]ATTTCACTGGTACATCTTTGCTCACTTCACACTTCAAAGTAATCTCATCCTTCTCCACTG-3'

ClinVar aggregate classification (germline): Conflicting classifications of pathogenicity. Review status: criteria provided, conflicting classifications (1 of 4 stars). 2 submissions from 2 submitters: Likely pathogenic (1); Uncertain significance (1). Last evaluated 2024-10-18.

Conditions:
Autosomal recessive limb-girdle muscular dystrophy type 2J (LGMDR10). Also called: Limb-girdle muscular dystrophy, type 2J; MUSCULAR DYSTROPHY, LIMB-GIRDLE, AUTOSOMAL RECESSIVE 10. Identifiers: Orphanet 140922, MedGen C1837342, MONDO:0012127, OMIM 608807.
Dilated cardiomyopathy 1G (CMD1G). Identifiers: Orphanet 154, MedGen C1858763, MONDO:0011400, OMIM 604145.

Submissions (2):

Labcorp Genetics (formerly Invitae), Labcorp
Classification: Likely pathogenic for Dilated cardiomyopathy 1G; Autosomal recessive limb-girdle muscular dystrophy type 2J. Last evaluated: 2024-10-18. Review status: criteria provided, single submitter. Criteria: Invitae Variant Classification Sherloc (09022015). Collection method: clinical testing. Allele origin: germline.
Comment: This sequence change creates a premature translational stop signal (p.Trp14262*) in the TTN gene. While this is not anticipated to result in nonsense mediated decay, it is expected to create a truncated TTN protein. This variant is not present in population databases (gnomAD no frequency). This variant has not been reported in the literature in individuals affected with TTN-related conditions. ClinVar contains an entry for this variant (Variation ID: 283670). This variant is located in the I band of TTN (PMID: 25589632). Truncating variants in this region have been reported in individuals affected with autosomal recessive centronuclear myopathy (PMID: 23975875, internal data). Truncating variants in this region have also been identified in individuals affected with autosomal dominant dilated cardiomyopathy and/or cardio-related conditions (PMID: 27869827, 32964742, internal data). In summary, the currently available evidence indicates that the variant is pathogenic, but additional data are needed to prove that conclusively. Therefore, this variant has been classified as Likely Pathogenic.

Eurofins Ntd Llc (ga)
Classification: Uncertain significance. Last evaluated: 2015-10-22. Review status: criteria provided, single submitter. Criteria: EGL Classification Definitions 2015. Collection method: clinical testing. Allele origin: germline. Observed: 1 variant allele.

Literature cited by the submitters: PubMed 25589632 (cited by Labcorp Genetics (formerly Invitae), Labcorp); PubMed 23975875 (cited by Labcorp Genetics (formerly Invitae), Labcorp); PubMed 27869827 (cited by Labcorp Genetics (formerly Invitae), Labcorp); PubMed 32964742 (cited by Labcorp Genetics (formerly Invitae), Labcorp).